The following is an entry in ClinVar:

NM_004667.6(HERC2):c.7518C>T (p.Ser2506=)

Gene: HERC2 (HECT and RLD domain containing E3 ubiquitin protein ligase 2; minus strand). Cytogenetic location: 15q13.1.
Variant type: single nucleotide variant.
Coding change: c.7518C>T on transcript NM_004667.6 (MANE Select); coding-DNA position 7518, C replaced by T.
Protein change: p.Ser2506=; no amino-acid change (serine 2506 retained).
Molecular consequence: synonymous variant.
Genome position (GRCh38, 1-based): chr15:28,202,212, G>A on the plus strand (C>T on the coding strand, the complement: HERC2 is on the minus strand). VCF-style: chr15-28202212-G-A. GRCh37 (hg19) VCF-style: chr15-28447358-G-A.
Identifiers: ClinVar variation 3341940 (VCV003341940.16).
Genomic context (GRCh38, chr15:28,202,212, plus strand): 5'-CTCGTCAGAATACTCGTCGGACACCGTGTCTGCATCTGAGAGCTCCGTGACCTGTATGTC[G>A]GAGTGGTCCAGCAGCCACCCGACCAAGGCTTCCACACCTAAGAGAGGCACACACAGCACA-3'
Protein context (NP_004658.3, residues 2496-2516): EALVGWLLDH[Ser2506=]DIQVTELSDA

ClinVar aggregate classification (germline): Likely benign (1 of 4 stars; one submission).

gnomAD v4.1: 42 of 1,607,408 alleles (0.0026%); highest among the groups gnomAD compares: Non-Finnish European, 0.0032%; no homozygotes.

Submission:

CeGaT Center for Human Genetics Tuebingen
Classification: Likely benign. Last evaluated: 2024-08-01. Review status: criteria provided, single submitter. Criteria: CeGaT Center For Human Genetics Tuebingen Variant Classification Criteria Version 2. Collection method: clinical testing. Allele origin: germline. Affected: yes. Observed: 1 variant allele.
Comment: HERC2: BP4, BP7